The following is an entry in ClinVar:

NM_000397.4(CYBB):c.158C>A (p.Ala53Asp)

Gene: CYBB (cytochrome b-245 beta chain; plus strand). Cytogenetic location: Xp21.1.
Variant type: single nucleotide variant.
Coding change: c.158C>A on transcript NM_000397.4 (MANE Select); coding-DNA position 158, C replaced by A.
Protein change: p.Ala53Asp; replaces alanine 53 with aspartic acid.
Molecular consequence: missense variant.
Genome position (GRCh38, 1-based): chrX:37,783,506, C>A. VCF-style: chrX-37783506-C-A. GRCh37 (hg19) VCF-style: chrX-37642759-C-A.
Other names: short protein forms A53D.
Identifiers: ClinVar variation 3724196 (VCV003724196.2).

ClinVar aggregate classification (germline): Uncertain significance (1 of 4 stars; one submission).

Conditions:
Granulomatous disease, chronic, X-linked. Also called: GRANULOMATOUS DISEASE, CHRONIC, X-LINKED, SOMATIC MOSAIC; CYTOCHROME b-NEGATIVE GRANULOMATOUS DISEASE, CHRONIC, X-LINKED. Identifiers: Orphanet 379, MedGen C1844376, MONDO:0010600, OMIM 306400.

Submission:

Labcorp Genetics (formerly Invitae), Labcorp
Classification: Uncertain significance for Granulomatous disease, chronic, X-linked. Last evaluated: 2024-12-22. Review status: criteria provided, single submitter. Criteria: Invitae Variant Classification Sherloc (09022015). Collection method: clinical testing. Allele origin: germline.
Comment: This sequence change replaces alanine, which is neutral and non-polar, with aspartic acid, which is acidic and polar, at codon 53 of the CYBB protein (p.Ala53Asp). This variant is not present in population databases (gnomAD no frequency). This missense change has been observed in individual(s) with chronic granulomatous disease (PMID: 8634410). Invitae Evidence Modeling of protein sequence and biophysical properties (such as structural, functional, and spatial information, amino acid conservation, physicochemical variation, residue mobility, and thermodynamic stability) indicates that this missense variant is expected to disrupt CYBB protein function with a positive predictive value of 80%. Experimental studies have shown that this missense change affects CYBB function (PMID: 21659519). In summary, the available evidence is currently insufficient to determine the role of this variant in disease. Therefore, it has been classified as a Variant of Uncertain Significance.

Literature cited by the submitters: PubMed 8634410; PubMed 21659519.